The following is an entry in ClinVar:

NM_015692.5(CPAMD8):c.3036C>T (p.Ile1012=)

Gene: CPAMD8 (C3 and PZP like alpha-2-macroglobulin domain containing 8; minus strand). Cytogenetic location: 19p13.11.
Variant type: single nucleotide variant.
Coding change: c.3036C>T on transcript NM_015692.5 (MANE Select); coding-DNA position 3036, C replaced by T.
Protein change: p.Ile1012=; no amino-acid change (isoleucine 1012 retained).
Molecular consequence: synonymous variant.
Genome position (GRCh38, 1-based): chr19:16,929,050, G>A on the plus strand (C>T on the coding strand, the complement: CPAMD8 is on the minus strand). VCF-style: chr19-16929050-G-A. GRCh37 (hg19) VCF-style: chr19-17039860-G-A.
Identifiers: ClinVar variation 2649526 (VCV002649526.24), dbSNP rs2512924358, ClinGen allele CA505954156.
Genomic context (GRCh38, chr19:16,929,050, plus strand): 5'-CCAGGAGAGGATCTTGGCCGTGTGTGCACTGGCCACGGGCTCTCCCATCTTGCTGGTGGA[G>A]ATCCATGACCTGGTGTTCTGATGCCCCCCCAGGACGATCTCGATCATGCCTGCTGTGTCC-3'
Protein context (NP_056507.3, residues 1002-1022): LGGHQNTRSW[Ile1012=]STSKMGEPVA

ClinVar aggregate classification (germline): Likely benign (1 of 4 stars; one submission).

Allele frequency attached by ClinVar (database versions not stated): gnomAD exomes below 0.00001.
gnomAD v4.1: 4 of 1,613,904 alleles (0.00025%); highest among the groups gnomAD compares: Middle Eastern, 0.033%; no homozygotes.

Submission:

CeGaT Center for Human Genetics Tuebingen
Classification: Likely benign. Last evaluated: 2022-03-01. Review status: criteria provided, single submitter. Criteria: CeGaT Center For Human Genetics Tuebingen Variant Classification Criteria Version 2. Collection method: clinical testing. Allele origin: germline. Affected: yes. Observed: 1 variant allele.
Comment: CPAMD8: PM2:Supporting, BP4, BP7